The following is an entry in ClinVar:

NM_000051.4(ATM):c.2784A>T (p.Leu928Phe)

Gene: ATM (ATM serine/threonine kinase; plus strand). Cytogenetic location: 11q22.3.
Variant type: single nucleotide variant.
Coding change: c.2784A>T on transcript NM_000051.4 (MANE Select); coding-DNA position 2784, A replaced by T.
Protein change: p.Leu928Phe; replaces leucine 928 with phenylalanine.
Molecular consequence: missense variant.
Genome position (GRCh38, 1-based): chr11:108,268,555, A>T. VCF-style: chr11-108268555-A-T. GRCh37 (hg19) VCF-style: chr11-108139282-A-T.
Other names: c.2784A>T, p.Leu928Phe (NM_001351834.2); short protein forms L928F.
Identifiers: ClinVar variation 2856118 (VCV002856118.4), dbSNP rs2081392156, ClinGen allele CA382545578.
Genomic context (GRCh38, chr11:108,268,555, plus strand): 5'-AACTACTGCTCAGACCAATACTGTGTCCTTTAGGGCAGCTGATATTCGGAGGAAATTGTT[A>T]ATGTTAATTGATTCTAGCACGCTAGAACCTACCAAATCCCTCCACCTGCATATGGTGAGT-3'
Protein context (NP_000042.3, residues 918-938): FRAADIRRKL[Leu928Phe]MLIDSSTLEP

ClinVar aggregate classification (germline): Uncertain significance. Review status: criteria provided, multiple submitters, no conflicts (2 of 4 stars). 2 submissions from 2 submitters: Uncertain significance (2). Last evaluated 2026-01-16.

Conditions:
Hereditary cancer-predisposing syndrome. Also called: Tumor predisposition; Neoplastic Syndromes, Hereditary; Hereditary Cancer Syndrome; Hereditary neoplastic syndrome. Identifiers: Orphanet 140162, MedGen C0027672, MeSH D009386, MONDO:0015356.
Ataxia-telangiectasia syndrome (AT). Also called: LOUIS-BAR SYNDROME; Cerebello-oculocutaneous telangiectasia; Immunodeficiency with ataxia telangiectasia; Ataxia-telangiectasia, complementation group D; AT, COMPLEMENTATION GROUP C; ATAXIA-TELANGIECTASIA, COMPLEMENTATION GROUP A. Identifiers: Orphanet 100, MedGen C0004135, MONDO:0008840, OMIM 208900.

Submissions (2):

Ambry Genetics
Classification: Uncertain significance for Hereditary cancer-predisposing syndrome. Last evaluated: 2026-01-16. Review status: criteria provided, single submitter. Criteria: Ambry Variant Classification Scheme 2023. Collection method: clinical testing. Allele origin: germline.
Comment: The p.L928F variant (also known as c.2784A>T), located in coding exon 17 of the ATM gene, results from an A to T substitution at nucleotide position 2784. The leucine at codon 928 is replaced by phenylalanine, an amino acid with highly similar properties. In an assay testing ATM function, this variant showed a functionally normal result (Lee KS et al. Cell, 2025 Sep;188:5081-5099.e27). This amino acid position is highly conserved in available vertebrate species. In addition, this alteration is predicted to be deleterious by in silico analysis. Based on the available evidence, the clinical significance of this variant remains unclear.

Labcorp Genetics (formerly Invitae), Labcorp
Classification: Uncertain significance for Ataxia-telangiectasia syndrome. Last evaluated: 2024-12-10. Review status: criteria provided, single submitter. Criteria: Invitae Variant Classification Sherloc (09022015). Collection method: clinical testing. Allele origin: germline.
Comment: This sequence change replaces leucine, which is neutral and non-polar, with phenylalanine, which is neutral and non-polar, at codon 928 of the ATM protein (p.Leu928Phe). This variant is not present in population databases (gnomAD no frequency). This variant has not been reported in the literature in individuals affected with ATM-related conditions. ClinVar contains an entry for this variant (Variation ID: 2856118). Invitae Evidence Modeling of protein sequence and biophysical properties (such as structural, functional, and spatial information, amino acid conservation, physicochemical variation, residue mobility, and thermodynamic stability) indicates that this missense variant is not expected to disrupt ATM protein function with a negative predictive value of 95%. In summary, the available evidence is currently insufficient to determine the role of this variant in disease. Therefore, it has been classified as a Variant of Uncertain Significance.

Literature cited by the submitters: PubMed 40580951 (cited by Ambry Genetics).